The following is an entry in ClinVar:

ClinVar aggregate classification (germline): Pathogenic (1 of 4 stars; one submission).

Submission:

Labcorp Genetics (formerly Invitae), Labcorp
Classification: Pathogenic. Last evaluated: 2023-09-27. Review status: criteria provided, single submitter. Criteria: Invitae Variant Classification Sherloc (09022015). Collection method: clinical testing. Allele origin: germline.
Comment: For these reasons, this variant has been classified as Pathogenic. This variant has not been reported in the literature in individuals affected with CAD-related conditions. This variant is not present in population databases (gnomAD no frequency). This sequence change creates a premature translational stop signal (p.Thr1976Asnfs*34) in the CAD gene. It is expected to result in an absent or disrupted protein product. Loss-of-function variants in CAD are known to be pathogenic (PMID: 28007989, 32117025, 32820246, 33497533).

Literature cited by the submitters: PubMed 28007989; PubMed 32117025; PubMed 32820246; PubMed 33497533.

NM_004341.5(CAD):c.5926dup (p.Thr1976fs)

Gene: CAD (carbamoyl-phosphate synthetase 2, aspartate transcarbamylase, and dihydroorotase; plus strand). Cytogenetic location: 2p23.3.
Variant type: Duplication.
Coding change: c.5926dup on transcript NM_004341.5 (MANE Select); coding-DNA position 5926, one base duplicated (A; older notation c.5926dupA).
Protein change: p.Thr1976fs; shifts the reading frame from threonine 1976.
Molecular consequence: frameshift variant.
Genome position (GRCh38, 1-based): chr2:27,241,953, A duplicated. VCF-style (leftmost placement, unchanged base first): chr2-27241952-G-GA. GRCh37 (hg19) VCF-style: chr2-27464820-G-GA.
Other names: c.5737dup, p.Thr1913fs (NM_001306079.2); short protein forms T1913fs, T1976fs.
Identifiers: ClinVar variation 2827135 (VCV002827135.3), dbSNP rs2465366773, ClinGen allele CA2739274241.